The following is an entry in ClinVar:

NM_025179.4(PLXNA2):c.4377C>T (p.Phe1459=)

Gene: PLXNA2 (plexin A2; minus strand). Cytogenetic location: 1q32.2.
Variant type: single nucleotide variant.
Coding change: c.4377C>T on transcript NM_025179.4 (MANE Select); coding-DNA position 4377, C replaced by T.
Protein change: p.Phe1459=; no amino-acid change (phenylalanine 1459 retained).
Molecular consequence: synonymous variant.
Genome position (GRCh38, 1-based): chr1:208,039,744, G>A on the plus strand (C>T on the coding strand, the complement: PLXNA2 is on the minus strand). VCF-style: chr1-208039744-G-A. GRCh37 (hg19) VCF-style: chr1-208213089-G-A.
Identifiers: ClinVar variation 4987684 (VCV004987684.1).

ClinVar aggregate classification (germline): Likely benign (1 of 4 stars; one submission).

Conditions:
PLXNA2-related disorder. Also called: PLXNA2-related condition.

gnomAD v4.1: 21 of 1,614,054 alleles (0.0013%); highest among the groups gnomAD compares: Non-Finnish European, 0.0017%; no homozygotes.

Submission:

PreventionGenetics, part of Exact Sciences
Classification: Likely benign for PLXNA2-related condition. Last evaluated: 2026-09-22. Review status: criteria provided, single submitter. Criteria: ACMG Guidelines, 2015. Collection method: clinical testing. Allele origin: germline.
Comment: This variant is classified as likely benign based on ACMG/AMP sequence variant interpretation guidelines (Richards et al. 2015 PMID: 25741868, with internal and published modifications).